The following is an entry in ClinVar:

ClinVar aggregate classification (germline): Uncertain significance (1 of 4 stars; one submission).

Submission:

Ambry Genetics
Classification: Uncertain significance. Last evaluated: 2024-12-21. Review status: criteria provided, single submitter. Criteria: Ambry Variant Classification Scheme 2023. Collection method: clinical testing. Allele origin: germline.
Comment: The p.F352S variant (also known as c.1055T>C), located in coding exon 1 of the TET2 gene, results from a T to C substitution at nucleotide position 1055. The phenylalanine at codon 352 is replaced by serine, an amino acid with highly dissimilar properties. This amino acid position is conserved. In addition, this alteration is predicted to be tolerated by in silico analysis. Based on the available evidence, the clinical significance of this variant remains unclear.

NM_001127208.3(TET2):c.1055T>C (p.Phe352Ser)

Genes: TET2 (tet methylcytosine dioxygenase 2; plus strand), TET2-AS1 (TET2 antisense RNA 1; minus strand). Cytogenetic location: 4q24.
Variant type: single nucleotide variant.
Coding change: c.1055T>C on transcript NM_001127208.3 (MANE Select); coding-DNA position 1055, T replaced by C.
Protein change: p.Phe352Ser; replaces phenylalanine 352 with serine.
Molecular consequence: missense variant.
Genome position (GRCh38, 1-based): chr4:105,234,997, T>C. VCF-style: chr4-105234997-T-C. GRCh37 (hg19) VCF-style: chr4-106156154-T-C.
Other names: c.1055T>C, p.Phe352Ser (NM_017628.4); short protein forms F352S.
Identifiers: ClinVar variation 3805890 (VCV003805890.1).